The following is an entry in ClinVar:

ClinVar aggregate classification (germline): Uncertain significance. Review status: criteria provided, multiple submitters, no conflicts (2 of 4 stars). 3 submissions from 3 submitters: Uncertain significance (3). Last evaluated 2025-04-06.

Conditions:
Inborn genetic diseases. Identifiers: MedGen C0950123, MeSH D030342.
Acute myeloid leukemia (AML). Also called: Acute myeloid leukemia, adult; AML adult; Acute non-lymphocytic leukemia; Acute granulocytic leukemia; Leukemia, acute myelogenous, somatic; Leukemia, acute myeloid, somatic. Identifiers: Orphanet 519, MedGen C0023467, MeSH D015470, MONDO:0018874, OMIM 601626, HP:0004808. Disease mechanism: Constitutively activated FLT3.
Deafness-lymphedema-leukemia syndrome. Also called: Lymphedema, primary, with myelodysplasia; Emberger syndrome. Identifiers: Orphanet 3226, MedGen C3279664, MONDO:0013540, OMIM 614038.
Monocytopenia with susceptibility to infections. Also called: Dendritic cell, monocyte, B lymphocyte, and natural killer lymphocyte deficiency; MONOCYTOPENIA AND MYCOBACTERIAL INFECTION SYNDROME; MONOCYTOPENIA WITH SUSCEPTIBILITY TO MYCOBACTERIAL, FUNGAL, AND PAPILLOMAVIRUS INFECTIONS AND MYELODYSPLASIA; COMBINED IMMUNODEFICIENCY WITH SUSCEPTIBILITY TO MYCOBACTERIAL, VIRAL, AND FUNGAL INFECTIONS; GATA2 DEFICIENCY; IMMUNODEFICIENCY 21. Identifiers: Orphanet 228423, MedGen C3280030, MONDO:0013607, OMIM 614172.

Submissions (3):

Ambry Genetics
Classification: Uncertain significance for Inborn genetic diseases. Last evaluated: 2025-04-06. Review status: criteria provided, single submitter. Criteria: Ambry Variant Classification Scheme 2023. Collection method: clinical testing. Allele origin: germline.
Comment: The p.K281N variant (also known as c.843G>T), located in coding exon 2 of the GATA2 gene, results from a G to T substitution at nucleotide position 843. The lysine at codon 281 is replaced by asparagine, an amino acid with similar properties. This amino acid position is conserved. In addition, the in silico prediction for this alteration is inconclusive. Based on the available evidence, the clinical significance of this variant remains unclear.

Baylor Genetics
Classification: Uncertain significance for Acute myeloid leukemia. Last evaluated: 2023-06-14. Review status: criteria provided, single submitter. Criteria: ACMG Guidelines, 2015. Collection method: clinical testing. Allele origin: unknown.

Labcorp Genetics (formerly Invitae), Labcorp
Classification: Uncertain significance for Monocytopenia with susceptibility to infections; Deafness-lymphedema-leukemia syndrome. Last evaluated: 2021-01-15. Review status: criteria provided, single submitter. Criteria: Invitae Variant Classification Sherloc (09022015). Collection method: clinical testing. Allele origin: germline.
Comment: Algorithms developed to predict the effect of missense changes on protein structure and function are either unavailable or do not agree on the potential impact of this missense change (SIFT: "Tolerated"; PolyPhen-2: "Probably Damaging"; Align-GVGD: "Class C0"). This variant has not been reported in the literature in individuals with GATA2-related conditions. This variant is not present in population databases (ExAC no frequency). This sequence change replaces lysine with asparagine at codon 281 of the GATA2 protein (p.Lys281Asn). The lysine residue is moderately conserved and there is a moderate physicochemical difference between lysine and asparagine. In summary, the available evidence is currently insufficient to determine the role of this variant in disease. Therefore, it has been classified as a Variant of Uncertain Significance.

NM_032638.5(GATA2):c.843G>T (p.Lys281Asn)

Gene: GATA2 (GATA binding protein 2; minus strand). Cytogenetic location: 3q21.3.
Variant type: single nucleotide variant.
Coding change: c.843G>T on transcript NM_032638.5 (MANE Select); coding-DNA position 843, G replaced by T.
Protein change: p.Lys281Asn; replaces lysine 281 with asparagine.
Molecular consequence: missense variant.
Genome position (GRCh38, 1-based): chr3:128,485,755, C>A on the plus strand (G>T on the coding strand, the complement: GATA2 is on the minus strand). VCF-style: chr3-128485755-C-A. GRCh37 (hg19) VCF-style: chr3-128204598-C-A.
Other names: c.843G>T, p.Lys281Asn (NM_001145661.2, NM_001145662.1); short protein forms K281N.
Identifiers: ClinVar variation 934394 (VCV000934394.11), dbSNP rs2068685897, ClinGen allele CA354405149.